The following is an entry in ClinVar:

ClinVar aggregate classification (germline): Conflicting classifications of pathogenicity. Review status: criteria provided, conflicting classifications (1 of 4 stars). 7 submissions from 7 submitters: Uncertain significance (1); Likely benign (3). 3 of the submissions do not count toward it. Last evaluated 2025-12-17.

Conditions:
Retinal cone dystrophy 4 (RCD4). Identifiers: Orphanet 1872, MedGen C1864849, MONDO:0012507, OMIM 610478.
CACNA2D4-related disorder. Also called: CACNA2D4-related condition.

Allele frequency attached by ClinVar (database versions not stated): ESP Exome Variant Server 0.00031; gnomAD 0.00042 and 0.00044; ExAC 0.00051; gnomAD exomes 0.00053; TOPMed 0.00062; 1000 Genomes Project 0.00100; 1000 Genomes Project 30x 0.00109.
gnomAD v4.1: 714 of 1,612,960 alleles (0.044%); highest among the groups gnomAD compares: Middle Eastern, 0.43%; 2 homozygotes.

Submissions (7):

Labcorp Genetics (formerly Invitae), Labcorp
Classification: Likely benign. Last evaluated: 2025-12-17. Review status: criteria provided, single submitter. Criteria: Invitae Variant Classification Sherloc (09022015). Collection method: clinical testing. Allele origin: germline.

Blueprint Genetics
Classification: Likely benign. Last evaluated: 2024-11-11. Review status: criteria provided, single submitter. Criteria: ACMG Guidelines, 2015. Collection method: clinical testing. Allele origin: germline.

CeGaT Center for Human Genetics Tuebingen
Classification: Likely benign. Last evaluated: 2021-01-01. Review status: criteria provided, single submitter. Criteria: CeGaT Center For Human Genetics Tuebingen Variant Classification Criteria Version 2. Collection method: clinical testing. Allele origin: germline. Affected: yes. Observed: 1 variant allele.

Illumina Laboratory Services, Illumina
Classification: Uncertain significance for Retinal cone dystrophy 4. Last evaluated: 2018-01-12. Review status: criteria provided, single submitter. Criteria: ICSL Variant Classification Criteria 13 December 2019. Collection method: clinical testing. Allele origin: germline.

PreventionGenetics, part of Exact Sciences
Classification: Likely benign for CACNA2D4-related condition. Last evaluated: 2020-01-10. Review status: no assertion criteria provided. Collection method: clinical testing. Allele origin: germline. Not counted in ClinVar's aggregate classification.
Comment: This variant is classified as likely benign based on ACMG/AMP sequence variant interpretation guidelines (Richards et al. 2015 PMID: 25741868, with internal and published modifications).

Clinical Genetics DNA and cytogenetics Diagnostics Lab, Erasmus MC, Erasmus Medical Center
Classification: Likely benign. Review status: no assertion criteria provided. Collection method: clinical testing. Allele origin: germline. Affected: yes. Study: VKGL Data-share Consensus. Not counted in ClinVar's aggregate classification.

Clinical Genetics, Academic Medical Center
Classification: Likely benign. Review status: no assertion criteria provided. Collection method: clinical testing. Allele origin: germline. Affected: yes. Study: VKGL Data-share Consensus. Not counted in ClinVar's aggregate classification.

NM_172364.5(CACNA2D4):c.2190G>A (p.Ala730=)

Gene: CACNA2D4 (calcium voltage-gated channel auxiliary subunit alpha2delta 4; minus strand). Cytogenetic location: 12p13.33.
Variant type: single nucleotide variant.
Coding change: c.2190G>A on transcript NM_172364.5 (MANE Select); coding-DNA position 2190, G replaced by A.
Protein change: p.Ala730=; no amino-acid change (alanine 730 retained).
Molecular consequence: synonymous variant.
Genome position (GRCh38, 1-based): chr12:1,854,007, C>T on the plus strand (G>A on the coding strand, the complement: CACNA2D4 is on the minus strand). VCF-style: chr12-1854007-C-T. GRCh37 (hg19) VCF-style: chr12-1963173-C-T.
Identifiers: ClinVar variation 750250 (VCV000750250.54), dbSNP rs200973567, ClinGen allele CA6386804.